The following is an entry in ClinVar:

NM_080732.4(EGLN2):c.719T>C (p.Ile240Thr)

Genes: EGLN2 (egl-9 family hypoxia inducible factor 2; plus strand), RAB4B-EGLN2 (RAB4B-EGLN2 readthrough (NMD candidate); plus strand). Cytogenetic location: 19q13.2.
Variant type: single nucleotide variant.
Coding change: c.719T>C on transcript NM_080732.4 (MANE Select); coding-DNA position 719, T replaced by C.
Protein change: p.Ile240Thr; replaces isoleucine 240 with threonine.
Molecular consequence: missense variant. On other transcripts: non-coding transcript variant (1).
Genome position (GRCh38, 1-based): chr19:40,801,291, T>C. VCF-style: chr19-40801291-T-C. GRCh37 (hg19) VCF-style: chr19-41307196-T-C.
Other names: c.719T>C, p.Ile240Thr (NM_053046.4); short protein forms I240T.
Identifiers: ClinVar variation 1757630 (VCV001757630.3), dbSNP rs757692999, ClinGen allele CA9452289.

ClinVar aggregate classification (germline): Uncertain significance (1 of 4 stars; one submission).

Allele frequency attached by ClinVar (database versions not stated): gnomAD exomes below 0.00001; ExAC 0.00001.
gnomAD v4.1: 2 of 1,613,194 alleles (0.00012%); highest among the groups gnomAD compares: Non-Finnish European, 0.00017%; no homozygotes.

Submission:

Ambry Genetics
Classification: Uncertain significance. Last evaluated: 2024-05-19. Review status: criteria provided, single submitter. Criteria: Ambry Variant Classification Scheme 2023. Collection method: clinical testing. Allele origin: germline.
Comment: The p.I240T variant (also known as c.719T>C), located in coding exon 1 of the EGLN2 gene, results from a T to C substitution at nucleotide position 719. The isoleucine at codon 240 is replaced by threonine, an amino acid with similar properties. This amino acid position is conserved. In addition, this alteration is predicted to be deleterious by in silico analysis. Since supporting evidence is limited at this time, the clinical significance of this alteration remains unclear.